The following is an entry in ClinVar:

ClinVar aggregate classification (germline): Conflicting classifications of pathogenicity. Review status: criteria provided, conflicting classifications (1 of 4 stars). 3 submissions from 3 submitters: Pathogenic (1); Likely pathogenic (1); Uncertain significance (1). Last evaluated 2025-04-18.

Conditions:
Familial thoracic aortic aneurysm and aortic dissection (TAAD). Also called: Thoracic aortic aneurysms and dissections. Identifiers: Orphanet 91387, MedGen C4707243, MONDO:0019625.
Congenital contractural arachnodactyly (CCA). Also called: Beals-Hecht syndrome; BEALS SYNDROME; Arthrogryposis, distal, type 9. Identifiers: Orphanet 115, MedGen C0220668, MONDO:0007363, OMIM 121050.

Allele frequency attached by ClinVar (database versions not stated): gnomAD exomes below 0.00001.
gnomAD v4.1: 1 of 1,614,122 alleles (0.000062%); highest among the groups gnomAD compares: Non-Finnish European, 0.000085%; no homozygotes.

Submissions (3):

GeneDx
Classification: Likely pathogenic. Last evaluated: 2025-04-18. Review status: criteria provided, single submitter. Criteria: GeneDx Variant Classification Process June 2021. Collection method: clinical testing. Allele origin: germline. Affected: yes.
Comment: The C1198Y variant in the FBN2 gene, published as C1197Y due to alternative nomenclature, has been reported previously in a patient with congenital contractural arachnodactyly, however no segregation or control population data was reported (PMID: 11754102); Not observed at significant frequency in large population cohorts (gnomAD); In silico analysis supports that this missense variant has a deleterious effect on protein structure/function; This variant is associated with the following publications: (PMID: 19006240, 18767143, 11754102)

Labcorp Genetics (formerly Invitae), Labcorp
Classification: Pathogenic for Congenital contractural arachnodactyly. Last evaluated: 2025-04-03. Review status: criteria provided, single submitter. Criteria: Invitae Variant Classification Sherloc (09022015). Collection method: clinical testing. Allele origin: germline.
Comment: This sequence change replaces cysteine, which is neutral and slightly polar, with tyrosine, which is neutral and polar, at codon 1198 of the FBN2 protein (p.Cys1198Tyr). This variant is not present in population databases (gnomAD no frequency). This missense change has been observed in individual(s) with congenital contractural arachnodactyly (PMID: 11754102). ClinVar contains an entry for this variant (Variation ID: 213313). Invitae Evidence Modeling of protein sequence and biophysical properties (such as structural, functional, and spatial information, amino acid conservation, physicochemical variation, residue mobility, and thermodynamic stability) indicates that this missense variant is expected to disrupt FBN2 protein function with a positive predictive value of 80%. This variant affects a cysteine residue located within an epidermal growth factor (EGF)–like domain of the FBN2 protein. Cysteine residues in these domains are involved in the formation of disulfide bridges critical for protein structure and stability (PMID: 3495735, 4750422, 16677079). In addition, missense substitutions within the FBN2 EGF-like domains affecting cysteine residues are overrepresented in patients with congenital contractural arachnodactyly (PMID: 18767143). For these reasons, this variant has been classified as Pathogenic.

Ambry Genetics
Classification: Uncertain significance for Familial thoracic aortic aneurysm and aortic dissection. Last evaluated: 2022-10-17. Review status: criteria provided, single submitter. Criteria: Ambry Variant Classification Scheme 2023. Collection method: clinical testing. Allele origin: germline.
Comment: The p.C1198Y variant (also known as c.3593G>A), located in coding exon 27 of the FBN2 gene, results from a G to A substitution at nucleotide position 3593. The cysteine at codon 1198 is replaced by tyrosine, an amino acid with highly dissimilar properties. In one study, 13 of 14 reported FBN2 mutations were found in the middle region of the gene (exons 24-36), and 7 of these mutations were noted to alter or produce a cysteine residue (Callewaert BL et al. Hum Mutat. 2009;30(3):334-341). This alteration has been reported in a congenital contracture arachnodactyly (CCA) cohort (Gupta PA et al. Hum Mutat, 2002 Jan;19:39-48). This amino acid position is highly conserved in available vertebrate species. In addition, this alteration is predicted to be deleterious by in silico analysis. Since supporting evidence is limited at this time, the clinical significance of this alteration remains unclear.

Literature cited by the submitters: PubMed 11754102 (cited by Labcorp Genetics (formerly Invitae), Labcorp and Ambry Genetics); PubMed 3495735 (cited by Labcorp Genetics (formerly Invitae), Labcorp); PubMed 4750422 (cited by Labcorp Genetics (formerly Invitae), Labcorp); PubMed 16677079 (cited by Labcorp Genetics (formerly Invitae), Labcorp); PubMed 18767143 (cited by Labcorp Genetics (formerly Invitae), Labcorp).

NM_001999.4(FBN2):c.3593G>A (p.Cys1198Tyr)

Gene: FBN2 (fibrillin 2; minus strand). Cytogenetic location: 5q23.3.
Variant type: single nucleotide variant.
Coding change: c.3593G>A on transcript NM_001999.4 (MANE Select); coding-DNA position 3593, G replaced by A.
Protein change: p.Cys1198Tyr; replaces cysteine 1198 with tyrosine.
Molecular consequence: missense variant.
Genome position (GRCh38, 1-based): chr5:128,338,002, C>T on the plus strand (G>A on the coding strand, the complement: FBN2 is on the minus strand). VCF-style: chr5-128338002-C-T. GRCh37 (hg19) VCF-style: chr5-127673694-C-T.
Other names: short protein forms C1198Y.
Identifiers: ClinVar variation 213313 (VCV000213313.9), dbSNP rs863223567, ClinGen allele CA321818.